The following is an entry in ClinVar:

ClinVar aggregate classification (germline): Likely benign (0 of 4 stars; one submission).

Conditions:
NR5A1-related disorder. Also called: NR5A1-related condition.

gnomAD v4.1: 171 of 1,557,788 alleles (0.011%); highest among the groups gnomAD compares: Non-Finnish European, 0.015%; no homozygotes.

Submission:

PreventionGenetics, part of Exact Sciences
Classification: Likely benign for NR5A1-related condition. Last evaluated: 2022-03-22. Review status: no assertion criteria provided. Collection method: clinical testing. Allele origin: germline.
Comment: This variant is classified as likely benign based on ACMG/AMP sequence variant interpretation guidelines (Richards et al. 2015 PMID: 25741868, with internal and published modifications).

NM_004959.5(NR5A1):c.630G>T (p.Pro210=)

Gene: NR5A1 (nuclear receptor subfamily 5 group A member 1; minus strand). Cytogenetic location: 9q33.3.
Variant type: single nucleotide variant.
Coding change: c.630G>T on transcript NM_004959.5 (MANE Select); coding-DNA position 630, G replaced by T.
Protein change: p.Pro210=; no amino-acid change (proline 210 retained).
Molecular consequence: synonymous variant.
Genome position (GRCh38, 1-based): chr9:124,500,330, C>A on the plus strand (G>T on the coding strand, the complement: NR5A1 is on the minus strand). VCF-style: chr9-124500330-C-A. GRCh37 (hg19) VCF-style: chr9-127262609-C-A.
Identifiers: ClinVar variation 3057790 (VCV003057790.2), dbSNP rs779933883, ClinGen allele CA5235431.